The following is an entry in ClinVar:

NM_001386140.1(MTTP):c.1765G>A (p.Ala589Thr)

Gene: MTTP (microsomal triglyceride transfer protein; plus strand). Cytogenetic location: 4q23.
Variant type: single nucleotide variant.
Coding change: c.1765G>A on transcript NM_001386140.1 (MANE Select); coding-DNA position 1765, G replaced by A.
Protein change: p.Ala589Thr; replaces alanine 589 with threonine.
Molecular consequence: missense variant.
Genome position (GRCh38, 1-based): chr4:99,608,973, G>A. VCF-style: chr4-99608973-G-A. GRCh37 (hg19) VCF-style: chr4-100530130-G-A.
Other names: c.1765G>A, p.Ala589Thr (NM_000253.4); c.1516G>A, p.Ala506Thr (NM_001300785.2); short protein forms A506T, A589T.
Identifiers: ClinVar variation 1025438 (VCV001025438.2), dbSNP rs1411803152, ClinGen allele CA357513592.
Genomic context (GRCh38, chr4:99,608,973, plus strand): 5'-CAAGAAATGAATAAATACATGCTCGCCATTGTTCAAGACATCCTACGTTTTGAAATGCCT[G>A]CAAGGTATAATACATTGCACATGTCTCTCTGTGTATTCAAGCTTATTTGTGTGTTCATGG-3'
Protein context (NP_001373069.1, residues 579-599): VQDILRFEMP[Ala589Thr]SKIVRRVLKE

ClinVar aggregate classification (germline): Uncertain significance (1 of 4 stars; one submission).

Allele frequency attached by ClinVar (database versions not stated): TOPMed below 0.00001.

Submission:

Labcorp Genetics (formerly Invitae), Labcorp
Classification: Uncertain significance. Last evaluated: 2022-08-09. Review status: criteria provided, single submitter. Criteria: Invitae Variant Classification Sherloc (09022015). Collection method: clinical testing. Allele origin: germline.
Comment: This sequence change replaces alanine, which is neutral and non-polar, with threonine, which is neutral and polar, at codon 589 of the MTTP protein (p.Ala589Thr). This variant is not present in population databases (gnomAD no frequency). This variant has not been reported in the literature in individuals affected with MTTP-related conditions. ClinVar contains an entry for this variant (Variation ID: 1025438). Algorithms developed to predict the effect of missense changes on protein structure and function (SIFT, PolyPhen-2, Align-GVGD) all suggest that this variant is likely to be tolerated. In summary, the available evidence is currently insufficient to determine the role of this variant in disease. Therefore, it has been classified as a Variant of Uncertain Significance.